The following is an entry in ClinVar:

ClinVar aggregate classification (germline): Uncertain significance (1 of 4 stars; one submission).

Submission:

Women's Health and Genetics/Laboratory Corporation of America, LabCorp
Classification: Uncertain significance. Last evaluated: 2019-02-19. Review status: criteria provided, single submitter. Criteria: LabCorp Variant Classification Summary - May 2015. Collection method: clinical testing. Allele origin: germline.
Comment: Variant summary: ATM c.4085G>T (p.Ser1362Ile) results in a non-conservative amino acid change in the encoded protein sequence. Three of five in-silico tools predict a benign effect of the variant on protein function. The variant was absent in 243410 control chromosomes (gnomAD). The available data on variant occurrences in the general population are insufficient to allow any conclusion about variant significance. To our knowledge, no occurrence of c.4085G>T in individuals affected with Ataxia-Telangiectasia or Breast Cancer and no experimental evidence demonstrating its impact on protein function have been reported. No clinical diagnostic laboratories have submitted clinical-significance assessments for this variant to ClinVar after 2014. Based on the evidence outlined above, the variant was classified as uncertain significance.

NM_000051.4(ATM):c.4085G>T (p.Ser1362Ile)

Gene: ATM (ATM serine/threonine kinase; plus strand). Cytogenetic location: 11q22.3.
Variant type: single nucleotide variant.
Coding change: c.4085G>T on transcript NM_000051.4 (MANE Select); coding-DNA position 4085, G replaced by T.
Protein change: p.Ser1362Ile; replaces serine 1362 with isoleucine.
Molecular consequence: missense variant.
Genome position (GRCh38, 1-based): chr11:108,287,691, G>T. VCF-style: chr11-108287691-G-T. GRCh37 (hg19) VCF-style: chr11-108158418-G-T.
Other names: c.4085G>T, p.Ser1362Ile (NM_001351834.2); short protein forms S1362I.
Identifiers: ClinVar variation 928940 (VCV000928940.1), dbSNP rs923836140, ClinGen allele CA382528382.